The following is an entry in ClinVar:

NM_018451.5(CPAP):c.1696C>T (p.Arg566Ter)

Gene: CPAP (centrosome assembly and centriole elongation protein; minus strand). Cytogenetic location: 13q12.13.
Variant type: single nucleotide variant.
Coding change: c.1696C>T on transcript NM_018451.5 (MANE Select); coding-DNA position 1696, C replaced by T.
Protein change: p.Arg566Ter; replaces arginine 566 with a stop codon.
Molecular consequence: nonsense. On other transcripts: non-coding transcript variant (2).
Genome position (GRCh38, 1-based): chr13:24,906,342, G>A on the plus strand (C>T on the coding strand, the complement: CPAP is on the minus strand). VCF-style: chr13-24906342-G-A. GRCh37 (hg19) VCF-style: chr13-25480480-G-A.
Other names: short protein forms R566*.
Identifiers: ClinVar variation 280184 (VCV000280184.10), dbSNP rs138228629, ClinGen allele CA6919712.

ClinVar aggregate classification (germline): Pathogenic/Likely pathogenic. Review status: criteria provided, multiple submitters, no conflicts (2 of 4 stars). 3 submissions from 3 submitters: Pathogenic (2); Likely pathogenic (1). Last evaluated 2024-12-24.

Conditions:
Microcephaly 6, primary, autosomal recessive. Identifiers: Orphanet 2512, MedGen C1842109, MONDO:0012029, OMIM 608393.

Allele frequency attached by ClinVar (database versions not stated): gnomAD exomes 0.00001 and 0.00003; ExAC 0.00002; TOPMed 0.00004; gnomAD 0.00005 and 0.00006; ESP Exome Variant Server 0.00015.
gnomAD v4.1: 46 of 1,611,786 alleles (0.0029%); highest among the groups gnomAD compares: Non-Finnish European, 0.0035%; no homozygotes.

Submissions (3):

Labcorp Genetics (formerly Invitae), Labcorp
Classification: Pathogenic. Last evaluated: 2024-12-24. Review status: criteria provided, single submitter. Criteria: Invitae Variant Classification Sherloc (09022015). Collection method: clinical testing. Allele origin: germline.
Comment: This sequence change creates a premature translational stop signal (p.Arg566*) in the CENPJ gene. It is expected to result in an absent or disrupted protein product. Loss-of-function variants in CENPJ are known to be pathogenic (PMID: 15793586, 16900296, 20522431). This variant is present in population databases (rs138228629, gnomAD 0.003%). This variant has not been reported in the literature in individuals affected with CENPJ-related conditions. ClinVar contains an entry for this variant (Variation ID: 280184). For these reasons, this variant has been classified as Pathogenic.

GeneDx
Classification: Pathogenic. Last evaluated: 2024-05-12. Review status: criteria provided, single submitter. Criteria: GeneDx Variant Classification Process June 2021. Collection method: clinical testing. Allele origin: germline. Affected: yes.
Comment: Nonsense variant predicted to result in protein truncation or nonsense mediated decay in a gene for which loss of function is a known mechanism of disease; Not observed at significant frequency in large population cohorts (gnomAD); Has not been previously published as pathogenic or benign to our knowledge

New York Genome Center
Classification: Likely pathogenic for Microcephaly 6, primary, autosomal recessive. Last evaluated: 2021-08-27. Review status: criteria provided, single submitter. Criteria: NYGC Assertion Criteria 2020. Collection method: clinical testing. Allele origin: germline. Observed: 1 heterozygote. Study: CSER-NYCKidSeq.

Literature cited by the submitters: PubMed 15793586 (cited by Labcorp Genetics (formerly Invitae), Labcorp); PubMed 16900296 (cited by Labcorp Genetics (formerly Invitae), Labcorp); PubMed 20522431 (cited by Labcorp Genetics (formerly Invitae), Labcorp).